The following is an entry in ClinVar:

NM_004380.3(CREBBP):c.4130C>T (p.Ser1377Leu)

Gene: CREBBP (CREB binding lysine acetyltransferase; minus strand). Cytogenetic location: 16p13.3.
Variant type: single nucleotide variant.
Coding change: c.4130C>T on transcript NM_004380.3 (MANE Select); coding-DNA position 4130, C replaced by T.
Protein change: p.Ser1377Leu; replaces serine 1377 with leucine.
Molecular consequence: missense variant.
Genome position (GRCh38, 1-based): chr16:3,740,402, G>A on the plus strand (C>T on the coding strand, the complement: CREBBP is on the minus strand). VCF-style: chr16-3740402-G-A. GRCh37 (hg19) VCF-style: chr16-3790403-G-A.
Other names: c.4016C>T, p.Ser1339Leu (NM_001079846.1); short protein forms S1339L, S1377L.
Identifiers: ClinVar variation 4813488 (VCV004813488.1).

ClinVar aggregate classification (germline): Uncertain significance (1 of 4 stars; one submission).

Conditions:
Rubinstein-Taybi syndrome due to CREBBP mutations (RSTS1). Also called: RUBINSTEIN-TAYBI SYNDROME 1, INCOMPLETE; BROAD THUMBS AND GREAT TOES, CHARACTERISTIC FACIES, AND IMPAIRED INTELLECTUAL DEVELOPMENT; BROAD THUMB-HALLUX SYNDROME; RUBINSTEIN SYNDROME; CREBBP-Related Rubinstein-Taybi Syndrome; Rubinstein-Taybi syndrome 1. Identifiers: Orphanet 353277, Orphanet 783, MedGen C4551859, MONDO:0008393, OMIM 180849.

Submission:

MVZ Praenatalmedizin und Genetik Nuernberg
Classification: Uncertain significance for Rubinstein-Taybi syndrome due to CREBBP mutations. Last evaluated: 2023-07-14. Review status: criteria provided, single submitter. Criteria: ACMG Guidelines, 2015. Collection method: clinical testing. Allele origin: germline.
Comment: The variant affects a highly conserved position (GERP: 5.26) in exon 24 of the CREBBP gene and has not yet been described in either gnomAD or ClinVar. In silico predictions strongly suggest a pathogenic effect of the variant (CADD: 31; REVEL 0.855). The literature search did not yield any additional information. In summary, based on the current data, we believe this to be a variant of uncertain clinical significance (VUS).